The following is an entry in ClinVar:

NM_020975.6(RET):c.694G>C (p.Glu232Gln)

Gene: RET (ret proto-oncogene; plus strand). Cytogenetic location: 10q11.21.
Variant type: single nucleotide variant.
Coding change: c.694G>C on transcript NM_020975.6 (MANE Select); coding-DNA position 694, G replaced by C.
Protein change: p.Glu232Gln; replaces glutamic acid 232 with glutamine.
Molecular consequence: missense variant. On other transcripts: 5 prime UTR variant (1), intron variant (22).
Genome position (GRCh38, 1-based): chr10:43,105,020, G>C. VCF-style: chr10-43105020-G-C. GRCh37 (hg19) VCF-style: chr10-43600468-G-C.
Other names: c.-69G>C (NM_001355216.2); c.694G>C, p.Glu232Gln (NM_001406743.1, NM_001406744.1, NM_001406759.1 and 6 more transcripts); c.565G>C, p.Glu189Gln (NM_001406761.1, NM_001406762.1, NM_001406764.1 and 2 more transcripts); c.406G>C, p.Glu136Gln (NM_001406766.1, NM_001406767.1, NM_001406770.1); c.625+2391G>C (NM_001406773.1, NM_001406771.1, NM_001406782.1 and 5 more transcripts); c.496+2391G>C (NM_001406786.1, NM_001406783.1); c.338-4011G>C (NM_001406778.1, NM_001406775.1, NM_001406776.1 and 1 more transcripts); c.337+4298G>C (NM_001406790.1, NM_001406788.1, NM_001406789.1 and 1 more transcripts); and 2 more; short protein forms E136Q, E232Q, E189Q.
Identifiers: ClinVar variation 4991899 (VCV004991899.1).

ClinVar aggregate classification (germline): Uncertain significance (1 of 4 stars; one submission).

Conditions:
RET-related disorder. Also called: RET-related condition; RET-related disease; RET-related disorders.

Submission:

PreventionGenetics, part of Exact Sciences
Classification: Uncertain significance for RET-related condition. Last evaluated: 2026-09-05. Review status: criteria provided, single submitter. Criteria: ACMG Guidelines, 2015. Collection method: clinical testing. Allele origin: germline.
Comment: The RET c.694G>C variant is predicted to result in the amino acid substitution p.Glu232Gln. To our knowledge, this variant has not been reported in the literature or in a large population database (gnomAD), indicating this variant is rare. At this time, the clinical significance of this variant is uncertain due to the absence of conclusive functional and genetic evidence.